The following is an entry in ClinVar:

ClinVar aggregate classification (germline): Uncertain significance (1 of 4 stars; one submission).

Conditions:
Inborn genetic diseases. Identifiers: MedGen C0950123, MeSH D030342.

Submission:

Ambry Genetics
Classification: Uncertain significance for Inborn genetic diseases. Last evaluated: 2026-01-19. Review status: criteria provided, single submitter. Criteria: Ambry Variant Classification Scheme 2023. Collection method: clinical testing. Allele origin: germline.
Comment: The p.I750V variant (also known as c.2248A>G), located in coding exon 1 of the SAMD9 gene, results from an A to G substitution at nucleotide position 2248. The isoleucine at codon 750 is replaced by valine, an amino acid with highly similar properties. This amino acid position is conserved. In addition, this alteration is predicted to be tolerated by in silico analysis. Based on the available evidence, the clinical significance of this variant remains unclear.

NM_017654.4(SAMD9):c.2248A>G (p.Ile750Val)

Gene: SAMD9 (sterile alpha motif domain containing 9; minus strand). Cytogenetic location: 7q21.2.
Variant type: single nucleotide variant.
Coding change: c.2248A>G on transcript NM_017654.4 (MANE Select); coding-DNA position 2248, A replaced by G.
Protein change: p.Ile750Val; replaces isoleucine 750 with valine.
Molecular consequence: missense variant.
Genome position (GRCh38, 1-based): chr7:93,103,850, T>C on the plus strand (A>G on the coding strand, the complement: SAMD9 is on the minus strand). VCF-style: chr7-93103850-T-C. GRCh37 (hg19) VCF-style: chr7-92733163-T-C.
Other names: c.2248A>G, p.Ile750Val (NM_001193307.2); short protein forms I750V.
Identifiers: ClinVar variation 4824676 (VCV004824676.1).